The following is an entry in ClinVar:

NM_000219.6(KCNE1):c.347A>T (p.Glu116Val)

Gene: KCNE1 (potassium voltage-gated channel subfamily E regulatory subunit 1; minus strand). Cytogenetic location: 21q22.12.
Variant type: single nucleotide variant.
Coding change: c.347A>T on transcript NM_000219.6 (MANE Select); coding-DNA position 347, A replaced by T.
Protein change: p.Glu116Val; replaces glutamic acid 116 with valine.
Molecular consequence: missense variant.
Genome position (GRCh38, 1-based): chr21:34,449,288, T>A on the plus strand (A>T on the coding strand, the complement: KCNE1 is on the minus strand). VCF-style: chr21-34449288-T-A. GRCh37 (hg19) VCF-style: chr21-35821586-T-A.
Other names: c.347A>T, p.Glu116Val (NM_001127668.4, NM_001127669.4, NM_001127670.4 and 4 more transcripts); short protein forms E116V.
Identifiers: ClinVar variation 3373787 (VCV003373787.2).
Genomic context (GRCh38, chr21:34,449,288, plus strand): 5'-TTAGCCAGTGGTGGGGTTCATGGGGAAGGCTTCGTCTCAGGAAGGTGTGTGTTGGGTTGT[T>A]CTATGGCCAGATGGTTTTCAACGACATAGCACGACCTGTAGCTCTCCAGGACCCGGGCCT-3'
Protein context (NP_000210.2, residues 106-126): CYVVENHLAI[Glu116Val]QPNTHLPETK

Conditions:
Long QT syndrome 5 (LQT5). Identifiers: Orphanet 101016, Orphanet 768, MedGen C1867904, MONDO:0013372, OMIM 613695.

Submission:

Roden Lab, Vanderbilt University Medical Center
No classification provided (evidence only). Condition: Long QT syndrome 5. Review status: no classification provided. Collection method: in vitro. Allele origin: not applicable. Functional consequence: Effect on ion channel function.
ClinVar note: "not provided" was previously submitted as the classification for the variant. However, the classification appeared to be based only on an observation of functional data so it was converted to no classification on 2025-07-30.